The following is an entry in ClinVar:

NM_000719.7(CACNA1C):c.5477C>T (p.Ala1826Val)

Genes: CACNA1C (calcium voltage-gated channel subunit alpha1 C; plus strand), CACNA1C-AS1 (CACNA1C antisense RNA 1; minus strand). Cytogenetic location: 12p13.33.
Variant type: single nucleotide variant.
Coding change: c.5477C>T on transcript NM_000719.7 (MANE Select); coding-DNA position 5477, C replaced by T.
Protein change: p.Ala1826Val; replaces alanine 1826 with valine.
Molecular consequence: missense variant.
Genome position (GRCh38, 1-based): chr12:2,682,582, C>T. VCF-style: chr12-2682582-C-T. GRCh37 (hg19) VCF-style: chr12-2791748-C-T.
Other names: c.5621C>T, p.Ala1874Val (NM_001129827.2); c.5600C>T, p.Ala1867Val (NM_001129829.2); c.5582C>T, p.Ala1861Val (NM_001129830.3, NM_001167624.3); c.5561C>T, p.Ala1854Val (NM_001129831.2); c.5537C>T, p.Ala1846Val (NM_001129832.2); c.5534C>T, p.Ala1845Val (NM_001129833.2, NM_001129834.2, NM_001129835.2); c.5528C>T, p.Ala1843Val (NM_001129836.2); c.5501C>T, p.Ala1834Val (NM_001129837.2, NM_001129838.2); and 6 more; short protein forms A1861V, A1874V, A1826V, A1832V, A1854V, A1886V, A1815V, A1823V.
Identifiers: ClinVar variation 456981 (VCV000456981.7), dbSNP rs750289082, ClinGen allele CA6389875.

ClinVar aggregate classification (germline): Uncertain significance (1 of 4 stars; one submission).

Conditions:
Long QT syndrome (LQTS). Identifiers: MedGen C0023976, MeSH D008133, MONDO:0002442. Disease mechanism: loss of function. Inheritance: Various modes of inheritance.

Allele frequency attached by ClinVar (database versions not stated): gnomAD exomes 0.00001 and 0.00002; ExAC 0.00005; gnomAD 0.00005; TOPMed 0.00005.
gnomAD v4.1: 23 of 1,611,978 alleles (0.0014%); highest among the groups gnomAD compares: Middle Eastern, 0.017%; no homozygotes.

Submission:

Labcorp Genetics (formerly Invitae), Labcorp
Classification: Uncertain significance for Long QT syndrome. Last evaluated: 2025-12-09. Review status: criteria provided, single submitter. Criteria: Invitae Variant Classification Sherloc (09022015). Collection method: clinical testing. Allele origin: germline.
Comment: This sequence change replaces alanine, which is neutral and non-polar, with valine, which is neutral and non-polar, at codon 1826 of the CACNA1C protein (p.Ala1826Val). The frequency data for this variant in the population databases is considered unreliable, as metrics indicate poor data quality at this position in the gnomAD database. This variant has not been reported in the literature in individuals affected with CACNA1C-related conditions. ClinVar contains an entry for this variant (Variation ID: 456981). Invitae Evidence Modeling of protein sequence and biophysical properties (such as structural, functional, and spatial information, amino acid conservation, physicochemical variation, residue mobility, and thermodynamic stability) indicates that this missense variant is not expected to disrupt CACNA1C protein function with a negative predictive value of 95%. In summary, the available evidence is currently insufficient to determine the role of this variant in disease. Therefore, it has been classified as a Variant of Uncertain Significance.